The following is an entry in ClinVar:

NC_000013.10:g.(?_32924123)_(32930706_?)del

Gene: BRCA2 (BRCA2 DNA repair associated; plus strand). Cytogenetic location: 13q13.1.
Variant type: Deletion.
Identifiers: ClinVar variation 3244185 (VCV003244185.1).

ClinVar aggregate classification (germline): Pathogenic (1 of 4 stars; one submission).

Conditions:
Hereditary breast ovarian cancer syndrome. Also called: Hereditary breast and ovarian cancer syndrome; Hereditary breast and ovarian cancer; Hereditary breast and ovarian cancer syndrome (HBOC); Breast and ovarian cancer; Hereditary breast and/or ovarian cancer syndrome; BRCA1- and BRCA2-Associated Hereditary Breast and Ovarian Cancer. Identifiers: Orphanet 145, MedGen C0677776, MeSH D061325, MONDO:0003582. Disease mechanism: loss of function.

Submission:

Labcorp Genetics (formerly Invitae), Labcorp
Classification: Pathogenic for Hereditary breast ovarian cancer syndrome. Last evaluated: 2023-11-09. Review status: criteria provided, single submitter. Criteria: Invitae Variant Classification Sherloc (09022015). Collection method: clinical testing. Allele origin: unknown.
Comment: This variant results in the deletion of exon 14 and part of exon 15 (c.7007+3090_7577del) of the BRCA2 gene. It is expected to disrupt RNA splicing. Variants that disrupt the donor or acceptor splice site typically lead to a loss of protein function (PMID: 16199547), and loss-of-function variants in BRCA2 are known to be pathogenic (PMID: 20104584). This variant has not been reported in the literature in individuals affected with BRCA2-related conditions. This variant disrupts a region of the BRCA2 protein in which other variant(s) (p.Leu2510Pro) have been determined to be pathogenic (PMID: 14670928, 21719596, 29394989). This suggests that this is a clinically significant region of the protein, and that variants that disrupt it are likely to be disease-causing. For these reasons, this variant has been classified as Pathogenic.

Literature cited by the submitters: PubMed 16199547; PubMed 20104584; PubMed 14670928; PubMed 21719596; PubMed 29394989.